The following is an entry in ClinVar:

ClinVar aggregate classification (germline): Uncertain significance. Review status: criteria provided, multiple submitters, no conflicts (2 of 4 stars). 3 submissions from 3 submitters: Uncertain significance (3). Last evaluated 2025-11-13.

Conditions:
Inborn genetic diseases. Identifiers: MedGen C0950123, MeSH D030342.
TOPORS-related disorder. Also called: TOPORS-related condition.

Allele frequency attached by ClinVar (database versions not stated): gnomAD exomes 0.00001 and 0.00004; TOPMed 0.00001; gnomAD 0.00002.
gnomAD v4.1: 62 of 1,611,618 alleles (0.0038%); highest among the groups gnomAD compares: Non-Finnish European, 0.005%; no homozygotes.

Submissions (3):

Ambry Genetics
Classification: Uncertain significance for Inborn genetic diseases. Last evaluated: 2025-11-13. Review status: criteria provided, single submitter. Criteria: Ambry Variant Classification Scheme 2023. Collection method: clinical testing. Allele origin: germline.

PreventionGenetics, part of Exact Sciences
Classification: Uncertain significance for TOPORS-related condition. Last evaluated: 2025-01-13. Review status: criteria provided, single submitter. Criteria: ACMG Guidelines, 2015. Collection method: clinical testing. Allele origin: germline.
Comment: The TOPORS c.760G>A variant is predicted to result in the amino acid substitution p.Asp254Asn. To our knowledge, this variant has not been reported in the literature. This variant is reported in 0.0018% of alleles in individuals of European (Non-Finnish) descent in gnomAD. At this time, the clinical significance of this variant is uncertain due to the absence of conclusive functional and genetic evidence.

Labcorp Genetics (formerly Invitae), Labcorp
Classification: Uncertain significance. Last evaluated: 2021-09-04. Review status: criteria provided, single submitter. Criteria: Invitae Variant Classification Sherloc (09022015). Collection method: clinical testing. Allele origin: germline.
Comment: This sequence change replaces aspartic acid with asparagine at codon 254 of the TOPORS protein (p.Asp254Asn). The aspartic acid residue is moderately conserved and there is a small physicochemical difference between aspartic acid and asparagine. This variant is not present in population databases (ExAC no frequency). This missense change has been observed in individual(s) with clinical features of inherited retinal dystrophy (Invitae). Algorithms developed to predict the effect of missense changes on protein structure and function are either unavailable or do not agree on the potential impact of this missense change (SIFT: "Deleterious"; PolyPhen-2: "Probably Damaging"; Align-GVGD: "Class C0"). In summary, the available evidence is currently insufficient to determine the role of this variant in disease. Therefore, it has been classified as a Variant of Uncertain Significance.

NM_005802.5(TOPORS):c.760G>A (p.Asp254Asn)

Gene: TOPORS (TOP1 binding arginine/serine rich protein, E3 ubiquitin ligase; minus strand). Cytogenetic location: 9p21.1.
Variant type: single nucleotide variant.
Coding change: c.760G>A on transcript NM_005802.5 (MANE Select); coding-DNA position 760, G replaced by A.
Protein change: p.Asp254Asn; replaces aspartic acid 254 with asparagine.
Molecular consequence: missense variant.
Genome position (GRCh38, 1-based): chr9:32,543,765, C>T on the plus strand (G>A on the coding strand, the complement: TOPORS is on the minus strand). VCF-style: chr9-32543765-C-T. GRCh37 (hg19) VCF-style: chr9-32543763-C-T.
Other names: c.565G>A, p.Asp189Asn (NM_001195622.2); c.760G>A (NM_005802.4); short protein forms D189N, D254N.
Identifiers: ClinVar variation 1496901 (VCV001496901.8), dbSNP rs768027184, ClinGen allele CA192359401.